The following is an entry in ClinVar:

ClinVar aggregate classification (germline): Uncertain significance (1 of 4 stars; one submission).

Conditions:
Autosomal recessive limb-girdle muscular dystrophy type 2L (LGMDR12). Also called: Limb-girdle muscular dystrophy, type 2L; Limb-Girdle Muscular Dystrophy R12 Anoctamin-5-Related (LGMD-R12); MUSCULAR DYSTROPHY, LIMB-GIRDLE, AUTOSOMAL RECESSIVE 12. Identifiers: Orphanet 206549, MedGen C1969785, MONDO:0012652, OMIM 611307.
Gnathodiaphyseal dysplasia (GDD). Also called: OSTEOGENESIS IMPERFECTA WITH UNUSUAL SKELETAL LESIONS; GNATHODIAPHYSEAL SCLEROSIS. Identifiers: Orphanet 53697, MedGen C1833736, MONDO:0008151, OMIM 166260.

Allele frequency attached by ClinVar (database versions not stated): TOPMed below 0.00001.

Submission:

Labcorp Genetics (formerly Invitae), Labcorp
Classification: Uncertain significance for Autosomal recessive limb-girdle muscular dystrophy type 2L; Gnathodiaphyseal dysplasia. Last evaluated: 2021-07-13. Review status: criteria provided, single submitter. Criteria: Invitae Variant Classification Sherloc (09022015). Collection method: clinical testing. Allele origin: germline.
Comment: In summary, the available evidence is currently insufficient to determine the role of this variant in disease. Therefore, it has been classified as a Variant of Uncertain Significance. Algorithms developed to predict the effect of missense changes on protein structure and function (SIFT, PolyPhen-2, Align-GVGD) all suggest that this variant is likely to be tolerated, but these predictions have not been confirmed by published functional studies and their clinical significance is uncertain. This variant has not been reported in the literature in individuals with ANO5-related disease. This variant is not present in population databases (ExAC no frequency). This sequence change replaces threonine with alanine at codon 646 of the ANO5 protein (p.Thr646Ala). The threonine residue is moderately conserved and there is a small physicochemical difference between threonine and alanine.

NM_213599.3(ANO5):c.1936A>G (p.Thr646Ala)

Gene: ANO5 (anoctamin 5; plus strand). Cytogenetic location: 11p14.3.
Variant type: single nucleotide variant.
Coding change: c.1936A>G on transcript NM_213599.3 (MANE Select); coding-DNA position 1936, A replaced by G.
Protein change: p.Thr646Ala; replaces threonine 646 with alanine.
Molecular consequence: missense variant.
Genome position (GRCh38, 1-based): chr11:22,270,349, A>G. VCF-style: chr11-22270349-A-G. GRCh37 (hg19) VCF-style: chr11-22291895-A-G.
Other names: c.1933A>G, p.Thr645Ala (NM_001142649.2); short protein forms T646A, T645A.
Identifiers: ClinVar variation 848812 (VCV000848812.10), dbSNP rs1398971952, ClinGen allele CA379923300.